The following is an entry in ClinVar:

ClinVar aggregate classification (germline): Conflicting classifications of pathogenicity. Review status: criteria provided, conflicting classifications (1 of 4 stars). 6 submissions from 6 submitters: Uncertain significance (3); Benign (1); Likely benign (2). Last evaluated 2025-11-28.

Conditions:
Early-infantile DEE. Also called: Ohtahara syndrome; Early infantile epileptic encephalopathy; Early infantile epileptic encephalopathy with suppression bursts. Identifiers: Orphanet 1934, MedGen C0393706, MONDO:0800491.
Developmental and epileptic encephalopathy, 5 (DEE5). Identifiers: Orphanet 3451, MedGen C3150731, MONDO:0013277, OMIM 613477.

Allele frequency attached by ClinVar (database versions not stated): gnomAD 0.00005; gnomAD exomes 0.00010 and 0.00023; TOPMed 0.00014; ExAC 0.00021.
gnomAD v4.1: 70 of 1,612,274 alleles (0.0043%); highest among the groups gnomAD compares: Admixed American, 0.12%; no homozygotes.

Submissions (6):

Labcorp Genetics (formerly Invitae), Labcorp
Classification: Likely benign for Early-infantile DEE. Last evaluated: 2025-11-28. Review status: criteria provided, single submitter. Criteria: Invitae Variant Classification Sherloc (09022015). Collection method: clinical testing. Allele origin: germline.

Center for Genomics, Ann and Robert H. Lurie Children's Hospital of Chicago
Classification: Uncertain significance for Developmental and epileptic encephalopathy, 5. Last evaluated: 2021-08-31. Review status: criteria provided, single submitter. Criteria: ACMG Guidelines, 2015. Collection method: clinical testing. Allele origin: germline.
Comment: SPTAN1 NM_001130438.2 intron 14 c.1806+4A>G: This variant has not been reported in the literature but is present in 0.2% (55/34578) of Latino alleles in the Genome Aggregation Database. This variant is present in ClinVar (Variation ID:207265). Evolutionary conservation and computational predictive tools for this variant are limited or unavailable. This variant is an intronic variant with no predicted change in the amino acid sequence but may have an unknown effect on splicing. Splice prediction tools suggest that this variant may alter splicing. However, further studies are needed to understand its impact. In summary, data on this variant is insufficient for disease classification. Therefore, the clinical significance of this variant is uncertain.

Genome-Nilou Lab
Classification: Benign for Developmental and epileptic encephalopathy, 5. Last evaluated: 2021-07-15. Review status: criteria provided, single submitter. Criteria: ACMG Guidelines, 2015. Collection method: clinical testing. Allele origin: germline. Affected: no.

GeneDx
Classification: Likely benign. Last evaluated: 2020-07-31. Review status: criteria provided, single submitter. Criteria: GeneDx Variant Classification Process June 2021. Collection method: clinical testing. Allele origin: germline. Affected: yes.

New York Genome Center
Classification: Uncertain significance for Developmental and epileptic encephalopathy, 5. Last evaluated: 2020-04-26. Review status: criteria provided, single submitter. Criteria: NYGC Assertion Criteria 2020. Collection method: clinical testing. Allele origin: inherited. Observed: 1 heterozygote. Study: CSER-NYCKidSeq.
Comment: The inherited c.1806+4A>G splice-region variant is located in intron14 (of 56) of the SPTAN1 gene and is predicted by multiple In Silico tools to alter normal mRNA splicing. This variant has not been reported in the affected individuals in the literature. The variant has been reported in ClinVar (Variation ID: 207265). The variant has 0.0002315 allele frequency in the gnomAD database across all populations (58 out of 250,568 heterozygous alleles) and 0.00159 allele frequency in Latino subpopulation represented in gnomAD (55 out of 34,578 heterozygous alleles). The c.1806+4A>G variant affects a moderately conserved nucleotide. Functional studies are required to evaluate the potential pathogenicity of this variant. Based on the available evidence, the inherited c.1806+4A>G splice-region variant in the SPTAN1 gene is assessed as a variant of uncertain significance.

Eurofins Ntd Llc (ga)
Classification: Uncertain significance. Last evaluated: 2017-01-09. Review status: criteria provided, single submitter. Criteria: EGL Classification Definitions 2015. Collection method: clinical testing. Allele origin: germline. Observed: 1 variant allele, 1 heterozygote.

NM_001130438.3(SPTAN1):c.1806+4A>G

Gene: SPTAN1 (spectrin alpha, non-erythrocytic 1; plus strand). Cytogenetic location: 9q34.11.
Variant type: single nucleotide variant.
Coding change: c.1806+4A>G on transcript NM_001130438.3 (MANE Select); 4 bases into the intron after coding-DNA position 1806, A replaced by G.
Molecular consequence: intron variant.
Genome position (GRCh38, 1-based): chr9:128,582,853, A>G. VCF-style: chr9-128582853-A-G. GRCh37 (hg19) VCF-style: chr9-131345132-A-G.
Other names: c.1806+4A>G (NM_001363759.2, NM_003127.4, NM_001363765.2 and 1 more transcripts).
Identifiers: ClinVar variation 207265 (VCV000207265.23), dbSNP rs770046688, ClinGen allele CA318572.